The following is an entry in ClinVar:

ClinVar aggregate classification (germline): Uncertain significance (1 of 4 stars; one submission).

Allele frequency attached by ClinVar (database versions not stated): gnomAD exomes below 0.00001.
gnomAD v4.1: 1 of 1,614,106 alleles (0.000062%); highest among the groups gnomAD compares: Non-Finnish European, 0.000085%; no homozygotes.

Submission:

GeneDx
Classification: Uncertain significance. Last evaluated: 2023-03-06. Review status: criteria provided, single submitter. Criteria: GeneDx Variant Classification Process June 2021. Collection method: clinical testing. Allele origin: germline. Affected: yes.
Comment: Not observed at significant frequency in large population cohorts (gnomAD); In silico analysis supports that this missense variant has a deleterious effect on protein structure/function; Has not been previously published as pathogenic or benign to our knowledge

NM_002474.3(MYH11):c.668C>T (p.Pro223Leu)

Gene: MYH11 (myosin heavy chain 11; minus strand). Cytogenetic location: 16p13.11.
Variant type: single nucleotide variant.
Coding change: c.668C>T on transcript NM_002474.3 (MANE Select); coding-DNA position 668, C replaced by T.
Protein change: p.Pro223Leu; replaces proline 223 with leucine.
Molecular consequence: missense variant.
Genome position (GRCh38, 1-based): chr16:15,782,443, G>A on the plus strand (C>T on the coding strand, the complement: MYH11 is on the minus strand). VCF-style: chr16-15782443-G-A. GRCh37 (hg19) VCF-style: chr16-15876300-G-A.
Other names: c.689C>T, p.Pro230Leu (NM_001040113.2, NM_001040114.2); c.668C>T, p.Pro223Leu (NM_022844.3); short protein forms P223L, P230L.
Identifiers: ClinVar variation 2579353 (VCV002579353.1), dbSNP rs2506612842, ClinGen allele CA394871228.
Genomic context (GRCh38, chr16:15,782,443, plus strand): 5'-ACGAATCGTGAGGAGTTGTCGTTCTTCACTGTTTTGGCGTTGCCGAAAGCCTCCAGAATC[G>A]GGTTTGCTTGTAGAAGCTGCTTTTCCAGCTCTCCCTAAAATTCATTCACATCTAGTTATT-3'
Protein context (NP_002465.1, residues 213-233): ELEKQLLQAN[Pro223Leu]ILEAFGNAKT